The following is an entry in ClinVar:

ClinVar aggregate classification (germline): Pathogenic/Likely pathogenic. Review status: criteria provided, multiple submitters, no conflicts (2 of 4 stars). 9 submissions from 9 submitters: Pathogenic (7); Likely pathogenic (2). Last evaluated 2026-07-15.

Conditions:
BRAT1-associated neurodegenerative disorder.
Neurodevelopmental disorder with cerebellar atrophy and with or without seizures. Identifiers: MedGen C4748032, MONDO:0020841, OMIM 618056.
Inborn genetic diseases. Identifiers: MedGen C0950123, MeSH D030342.
BRAT1-related disorder. Also called: BRAT1-related condition; BRAT1-related disorders.
Neonatal-onset encephalopathy with rigidity and seizures. Also called: Lethal neonatal spasticity-epileptic encephalopathy syndrome. Identifiers: Orphanet 435845, MedGen C3281029, MONDO:0013784, OMIM 614498.

Submissions (9):

PreventionGenetics, part of Exact Sciences
Classification: Pathogenic for BRAT1-related condition. Last evaluated: 2026-07-15. Review status: criteria provided, single submitter. Criteria: ACMG Guidelines, 2015. Collection method: clinical testing. Allele origin: germline.
Comment: The BRAT1 c.2125_2128delTTTG variant is predicted to result in a frameshift and premature protein termination (p.Phe709Thrfs*17). While this variant is located in the last exon of BRAT1 and is therefore not predicted to undergo nonsense-mediated mRNA decay, it is expected to disrupt the terminal 113 amino acids of the protein sequence. This variant has been reported in the compound heterozygous state in individuals with BRAT1-associated neurodegenerative disorder, and was reported to segregate with disease in at least one sibling pair (Smith et al. 2016. PubMed ID: 27480663; Papuc et al. 2018. PubMed ID: 30552426). This variant is reported in 0.0044% of alleles in individuals of European (Non-Finnish) descent in gnomAD. Frameshift variants in BRAT1 are expected to be pathogenic, and have been reported both 5' and 3' to this location in BRAT1-patients (for example, see Pourahmadiyan et al. 2020. PubMed ID: 32345087; Supplementary Table 1, Gorukmez et al. 2023. PubMed ID: 36964972). This variant is interpreted as pathogenic.

Labcorp Genetics (formerly Invitae), Labcorp
Classification: Pathogenic for Neonatal-onset encephalopathy with rigidity and seizures. Last evaluated: 2025-11-17. Review status: criteria provided, single submitter. Criteria: Invitae Variant Classification Sherloc (09022015). Collection method: clinical testing. Allele origin: germline.
Comment: This sequence change creates a premature translational stop signal (p.Phe709Thrfs*17) in the BRAT1 gene. While this is not anticipated to result in nonsense mediated decay, it is expected to disrupt the last 113 amino acid(s) of the BRAT1 protein. This variant is present in population databases (rs763527391, gnomAD 0.004%). This premature translational stop signal has been observed in individual(s) with BRAT1-related conditions (PMID: 27480663, 30552426). In at least one individual the data is consistent with being in trans (on the opposite chromosome) from a pathogenic variant. It has also been observed to segregate with disease in related individuals. ClinVar contains an entry for this variant (Variation ID: 372962). This variant disrupts a region of the BRAT1 protein in which other variant(s) (p.Ser747Thrfs*36) have been observed in individuals with BRAT1-related conditions (PMID: 28752061). This suggests that this is a clinically significant region of the protein, and that variants that disrupt it are likely to be disease-causing. For these reasons, this variant has been classified as Pathogenic.

3billion
Classification: Pathogenic for BRAT1-related disorder. Last evaluated: 2025-05-09. Review status: criteria provided, single submitter. Criteria: ACMG Guidelines, 2015. Collection method: clinical testing. Allele origin: germline. Affected: yes.
Comment: The variant is observed at an extremely low frequency in the gnomAD v4.1.0 dataset (total allele frequency: 0.005%). Predicted Consequence/Location: Frameshift: predicted to result in a loss or disruption of normal protein function through protein truncation. The predicted truncated protein may be shortened by more than 10%. The variant has been reported at least twice as pathogenic with clinical assertions and evidence for the classification (ClinVar ID: VCV000372962 /PMID: 27480663). Therefore, this variant is classified as Pathogenic according to the recommendation of ACMG/AMP guideline.

Blueprint Genetics
Classification: Pathogenic for BRAT1-related disorders. Last evaluated: 2024-05-06. Review status: criteria provided, single submitter. Criteria: ACMG Guidelines, 2015. Collection method: clinical testing. Allele origin: germline. Affected: yes. Observed: 5 variant alleles.

Women's Health and Genetics/Laboratory Corporation of America, LabCorp
Classification: Pathogenic for Neurodevelopmental disorder with cerebellar atrophy and with or without seizures. Last evaluated: 2023-12-12. Review status: criteria provided, single submitter. Criteria: LabCorp Variant Classification Summary - May 2015. Collection method: clinical testing. Allele origin: germline.
Comment: Variant summary: BRAT1 c.2125_2128delTTTG (p.Phe709ThrfsX17) results in a premature termination codon, predicted to cause a truncation in the last exon (exon 14) of the encoded protein affecting the last 113 amino acids, although nonsense mediated decay is not expected to occur. The variant allele was found at a frequency of 2.4e-05 in 250228 control chromosomes. c.2125_2128delTTTG has been reported in the literature in multiple compound heterozygous individuals affected with lethal neonatal rigidity and multifocal seizure syndrome, early-onset epileptic encephalopathy, or clinical features of Neurodevelopmental Disorder With Cerebellar Atrophy And With Or Without Seizures (e.g. Smith_2016, Papuc_2019, Qi_2022). These data indicate that the variant is likely to be associated with disease. To our knowledge, no experimental evidence demonstrating an impact on protein function has been reported. The following publications have been ascertained in the context of this evaluation (PMID: 30552426, 35360849, 27480663). Six submitters have cited clinical-significance assessments for this variant to ClinVar after 2014. All submitters classified the variant as pathogenic (n=3) or likely pathogenic (n=3). Based on the evidence outlined above, the variant was classified as pathogenic.

Rady Children's Institute for Genomic Medicine, Rady Children's Hospital San Diego
Classification: Pathogenic for BRAT1-associated neurodegenerative disorder. Last evaluated: 2020-01-07. Review status: criteria provided, single submitter. Criteria: ACMG Guidelines, 2015. Collection method: clinical testing. Allele origin: germline. Affected: yes.
Comment: This frameshifting variant in exon 14 of BRAT1 introduces a premature stop codon and is predicted to result in loss of normal protein function through either protein truncation or nonsense-mediated mRNA decay (NMD). This variant has been previously reported in the compound heterozygous state in patients with BRAT1-associated neurodegenerative disorder (PMID: 27480663, 30552426). It is present in the heterozygous state in the gnomAD population database at a frequency of 0.002% (6/250228) and thus is presumed to be rare. Based on the available evidence, the c.2125_2128del (p.Phe709ThrfsTer17) variant is classified as Pathogenic.

CeGaT Center for Human Genetics Tuebingen
Classification: Pathogenic. Last evaluated: 2018-09-01. Review status: criteria provided, single submitter. Criteria: CeGaT Center For Human Genetics Tuebingen Variant Classification Criteria Version 2. Collection method: clinical testing. Allele origin: germline. Affected: yes. Observed: 1 variant allele.

Ambry Genetics
Classification: Likely pathogenic for Inborn genetic diseases. Last evaluated: 2017-01-26. Review status: criteria provided, single submitter. Criteria: Ambry exome assertion method (8-5-2015). Collection method: clinical testing. Allele origin: germline. Affected: yes. Observed: 1 variant allele.

GeneDx
Classification: Likely pathogenic. Last evaluated: 2016-06-15. Review status: criteria provided, single submitter. Criteria: GeneDx Variant Classification (06012015). Collection method: clinical testing. Allele origin: germline. Affected: yes.
Comment: The c.2125_2128delTTTG variant in the BRAT1 gene has not been reported previously as a pathogenic variant nor as a benign variant, to our knowledge. This variant causes a frameshift starting with codon Phenylalanine 709, changes this amino acid to a Threonine residue, and creates a premature Stop codon at position 17 of the new reading frame, denoted p.Phe709ThrfsX17. This variant is predicted to cause loss of normal protein function through protein truncation, as the last 113 amino acids of the protein are replaced by 16 incorrect amino acids. The c.2125_2128delTTTG variant was not observed in approximately 6500 individuals of European and African American ancestry in the NHLBI Exome Sequencing Project, indicating it is not a common benign variant in these populations. The c.2125_2128delTTTG variant is a strong candidate for a pathogenic variant; however, the possibility it may be a rare benign variant cannot be excluded.

Literature cited by the submitters: PubMed 27480663 (cited by 4 submitters); PubMed 30552426 (cited by Labcorp Genetics (formerly Invitae), Labcorp and Women's Health and Genetics/Laboratory Corporation of America, LabCorp); PubMed 28752061 (cited by Labcorp Genetics (formerly Invitae), Labcorp); PubMed 35360849 (cited by Women's Health and Genetics/Laboratory Corporation of America, LabCorp); PubMed 16452482 (cited by Ambry Genetics).

NM_152743.4(BRAT1):c.2125_2128del (p.Phe709fs)

Gene: BRAT1 (BRCA1 associated ATM activator 1; minus strand). Cytogenetic location: 7p22.3.
Variant type: Deletion.
Coding change: c.2125_2128del on transcript NM_152743.4 (MANE Select); coding-DNA positions 2125 to 2128, 4 bases deleted (TTTG; older notation c.2125_2128delTTTG).
Protein change: p.Phe709fs; shifts the reading frame from phenylalanine 709.
Molecular consequence: frameshift variant. On other transcripts: non-coding transcript variant (1).
Genome position (GRCh38, 1-based): chr7:2,538,407-2,538,410, CAAA deleted on the plus strand (TTTG on the coding strand, the reverse complement: BRAT1 is on the minus strand); deleting any 4 consecutive bases within chr7:2,538,407-2,538,413 gives the same sequence; the c. name uses the placement nearest the transcript's 3' end. VCF-style (leftmost placement, unchanged base first): chr7-2538406-TCAAA-T. GRCh37 (hg19) VCF-style: chr7-2578040-TCAAA-T.
Other names: c.2305_2308del, p.Phe769fs (NM_001350626.2); c.1600_1603del, p.Phe534fs (NM_001350627.2); c.2125_2128del (NM_152743.3); c.2125_2128delTTTG (NM_152743.4); short protein forms F769fs, F709fs, F534fs.
Identifiers: ClinVar variation 372962 (VCV000372962.55), dbSNP rs763527391, ClinGen allele CA4127449.
Genomic context (GRCh38, chr7:2,538,406, plus strand): 5'-ATCTTGTCCCTCAGGAAGAGAAGGAGGTCACAAGACTTCTGCGCCACAGGGCGGTCGCAG[TCAAA>T]CAAGGCACAAAAGGCGAAGTCAAAGAGCCCCACGTGGCAGAGAGCCCTCAGTGCCTCGGT-3'